The following is an entry in ClinVar:

ClinVar aggregate classification (germline): Conflicting classifications of pathogenicity. Review status: criteria provided, conflicting classifications (1 of 4 stars). 2 submissions from 2 submitters: Uncertain significance (1); Likely benign (1). Last evaluated 2026-01-18.

Conditions:
Long QT syndrome (LQTS). Identifiers: MedGen C0023976, MeSH D008133, MONDO:0002442. Disease mechanism: loss of function. Inheritance: Various modes of inheritance.
Cardiovascular phenotype. Identifiers: MedGen CN230736.

Allele frequency attached by ClinVar (database versions not stated): TOPMed 0.00003; gnomAD exomes below 0.00001; gnomAD 0.00002; ExAC 0.00001.
gnomAD v4.1: 9 of 1,571,984 alleles (0.00057%); highest among the groups gnomAD compares: Admixed American, 0.0018%; no homozygotes.

Submissions (2):

Labcorp Genetics (formerly Invitae), Labcorp
Classification: Uncertain significance for Long QT syndrome. Last evaluated: 2026-01-18. Review status: criteria provided, single submitter. Criteria: Invitae Variant Classification Sherloc (09022015). Collection method: clinical testing. Allele origin: germline.
Comment: This sequence change replaces glutamic acid, which is acidic and polar, with glutamine, which is neutral and polar, at codon 2248 of the AKAP9 protein (p.Glu2248Gln). This variant is present in population databases (rs770443947, gnomAD 0.003%). This variant has not been reported in the literature in individuals affected with AKAP9-related conditions. ClinVar contains an entry for this variant (Variation ID: 1755197). An algorithm developed to predict the effect of missense changes on protein structure and function outputs the following: PolyPhen-2: "Benign". The glutamine amino acid residue is found in multiple mammalian species, which suggests that this missense change does not adversely affect protein function. In summary, the available evidence is currently insufficient to determine the role of this variant in disease. Therefore, it has been classified as a Variant of Uncertain Significance.

Ambry Genetics
Classification: Likely benign for Cardiovascular phenotype. Last evaluated: 2024-03-21. Review status: criteria provided, single submitter. Criteria: Ambry Variant Classification Scheme 2023. Collection method: clinical testing. Allele origin: germline.

NM_005751.5(AKAP9):c.6742G>C (p.Glu2248Gln)

Gene: AKAP9 (A-kinase anchoring protein 9; plus strand). Cytogenetic location: 7q21.2.
Variant type: single nucleotide variant.
Coding change: c.6742G>C on transcript NM_005751.5 (MANE Select); coding-DNA position 6742, G replaced by C.
Protein change: p.Glu2248Gln; replaces glutamic acid 2248 with glutamine.
Molecular consequence: missense variant.
Genome position (GRCh38, 1-based): chr7:92,076,984, G>C. VCF-style: chr7-92076984-G-C. GRCh37 (hg19) VCF-style: chr7-91706298-G-C.
Other names: c.1387G>C, p.Glu463Gln (NM_001379277.1); c.6718G>C, p.Glu2240Gln (NM_147185.3); short protein forms E2240Q, E2248Q, E463Q.
Identifiers: ClinVar variation 1755197 (VCV001755197.8), dbSNP rs770443947, ClinGen allele CA4337151.